The following is an entry in ClinVar:

NM_031471.6(FERMT3):c.331C>T (p.Arg111Cys)

Gene: FERMT3 (FERM domain containing kindlin 3; plus strand). Cytogenetic location: 11q13.1.
Variant type: single nucleotide variant.
Coding change: c.331C>T on transcript NM_031471.6 (MANE Select); coding-DNA position 331, C replaced by T.
Protein change: p.Arg111Cys; replaces arginine 111 with cysteine.
Molecular consequence: missense variant. On other transcripts: 5 prime UTR variant (2).
Genome position (GRCh38, 1-based): chr11:64,210,781, C>T. VCF-style: chr11-64210781-C-T. GRCh37 (hg19) VCF-style: chr11-63978253-C-T.
Other names: p.Arg111Cys; c.331C>T, p.Arg111Cys (NM_001382361.1, NM_001382362.1, NM_001382448.1 and 1 more transcripts); c.-210C>T (NM_001382363.1, NM_001382364.1); short protein forms R111C.
Identifiers: ClinVar variation 625944 (VCV000625944.17), dbSNP rs140328152, ClinGen allele CA6068711.

ClinVar aggregate classification (germline): Conflicting classifications of pathogenicity. Review status: criteria provided, conflicting classifications (1 of 4 stars). 5 submissions from 5 submitters: Uncertain significance (2); Benign (1); Likely benign (2). Last evaluated 2026-02-10.

Conditions:
Leukocyte adhesion deficiency 3. Also called: INTEGRIN ACTIVATION DEFICIENCY DISEASE; LEUKOCYTE ADHESION DEFICIENCY 1 VARIANT; Leukocyte adhesion deficiency, type III. Identifiers: Orphanet 2968, Orphanet 99844, MedGen C2748536, MONDO:0013016, OMIM 612840.
Inborn genetic diseases. Identifiers: MedGen C0950123, MeSH D030342.

Allele frequency attached by ClinVar (database versions not stated): 1000 Genomes Project 30x 0.00062; 1000 Genomes Project 0.00080; TOPMed 0.00100; gnomAD 0.00119 and 0.00129; ESP Exome Variant Server 0.00154; gnomAD exomes 0.00011 and 0.00033; ExAC 0.00037.
gnomAD v4.1: 344 of 1,614,004 alleles (0.021%); highest among the groups gnomAD compares: African/African-American, 0.38%; 2 homozygotes.

Submissions (5):

Women's Health and Genetics/Laboratory Corporation of America, LabCorp
Classification: Likely benign. Last evaluated: 2026-02-10. Review status: criteria provided, single submitter. Criteria: LabCorp Variant Classification Summary - May 2015. Collection method: clinical testing. Allele origin: germline.
Comment: Variant summary: FERMT3 c.331C>T (p.Arg111Cys) results in a non-conservative amino acid change in the encoded protein sequence. Algorithms developed to predict the effect of missense changes on protein structure and function are either unavailable or do not agree on the potential impact of this missense change. The variant allele was found at a frequency of 0.00033 in 250766 control chromosomes, predominantly at a frequency of 0.0037 within the African or African-American subpopulation in the gnomAD database. The observed variant frequency within African or African-American control individuals in the gnomAD database exceeds the estimated maximal expected allele frequency for disease-causing variants in FERMT3. To our knowledge, no occurrence of c.331C>T in individuals affected with FERMT3-related conditions and no experimental evidence demonstrating its impact on protein function have been reported. ClinVar contains an entry for this variant (Variation ID: 625944). Based on the evidence outlined above, the variant was classified as likely benign.

Labcorp Genetics (formerly Invitae), Labcorp
Classification: Likely benign for Leukocyte adhesion deficiency 3. Last evaluated: 2026-02-01. Review status: criteria provided, single submitter. Criteria: Invitae Variant Classification Sherloc (09022015). Collection method: clinical testing. Allele origin: germline.

Mayo Clinic Laboratories, Mayo Clinic
Classification: Benign. Last evaluated: 2025-10-02. Review status: criteria provided, single submitter. Criteria: ACMG Guidelines, 2015. Collection method: clinical testing. Allele origin: germline. Observed: 1 variant allele.
Comment: BS1, BS2, BP4_moderate

Ambry Genetics
Classification: Uncertain significance for Inborn genetic diseases. Last evaluated: 2025-08-11. Review status: criteria provided, single submitter. Criteria: Ambry Variant Classification Scheme 2023. Collection method: clinical testing. Allele origin: germline.

Center for Genomics, Ann and Robert H. Lurie Children's Hospital of Chicago
Classification: Uncertain significance for Leukocyte adhesion deficiency 3. Last evaluated: 2021-03-30. Review status: criteria provided, single submitter. Criteria: ACMG Guidelines, 2015. Collection method: clinical testing. Allele origin: germline.
Comment: FERMT3 NM_178443 exon 3 p.Arg111Cys (c.331C>T): This variant has not been reported in the literature but is present in 0.3% (90/23962) of African alleles in the Genome Aggregation Database. Evolutionary conservation and computational predictive tools for this variant are unclear. In summary, data on this variant is insufficient for disease classification. Therefore, the clinical significance of this variant is uncertain.